The following is an entry in ClinVar:

NM_032119.4(ADGRV1):c.9178dup (p.Thr3060fs)

Gene: ADGRV1 (adhesion G protein-coupled receptor V1; plus strand). Cytogenetic location: 5q14.3.
Variant type: Duplication.
Coding change: c.9178dup on transcript NM_032119.4 (MANE Select); coding-DNA position 9178, one base duplicated (A; older notation c.9178dupA).
Protein change: p.Thr3060fs; shifts the reading frame from threonine 3060.
Molecular consequence: frameshift variant. On other transcripts: non-coding transcript variant (1).
Genome position (GRCh38, 1-based): chr5:90,712,422, A duplicated. VCF-style (leftmost placement, unchanged base first): chr5-90712421-T-TA. GRCh37 (hg19) VCF-style: chr5-90008238-T-TA.
Other names: c.9178dupA (NM_032119.4); short protein forms T3060fs.
Identifiers: ClinVar variation 959377 (VCV000959377.12), dbSNP rs1749485242, ClinGen allele CA1139658964.

ClinVar aggregate classification (germline): Pathogenic/Likely pathogenic. Review status: criteria provided, multiple submitters, no conflicts (2 of 4 stars). 4 submissions from 4 submitters: Pathogenic (2); Likely pathogenic (2). Last evaluated 2024-10-22.

Conditions:
ADGRV1-related disorder. Also called: ADGRV1-related disorders; ADGRV1-related condition.

Allele frequency attached by ClinVar (database versions not stated): gnomAD exomes below 0.00001; TOPMed below 0.00001.

Submissions (4):

Labcorp Genetics (formerly Invitae), Labcorp
Classification: Pathogenic. Last evaluated: 2024-10-22. Review status: criteria provided, single submitter. Criteria: Invitae Variant Classification Sherloc (09022015). Collection method: clinical testing. Allele origin: germline.
Comment: This sequence change creates a premature translational stop signal (p.Thr3060Asnfs*10) in the ADGRV1 gene. It is expected to result in an absent or disrupted protein product. Loss-of-function variants in ADGRV1 are known to be pathogenic (PMID: 19357117, 22135276, 22147658, 26226137, 30718709, 31047384, 32467589). This variant is not present in population databases (gnomAD no frequency). This variant has not been reported in the literature in individuals affected with ADGRV1-related conditions. ClinVar contains an entry for this variant (Variation ID: 959377). For these reasons, this variant has been classified as Pathogenic.

Women's Health and Genetics/Laboratory Corporation of America, LabCorp
Classification: Pathogenic for ADGRV1-Related Disorders. Last evaluated: 2024-04-05. Review status: criteria provided, single submitter. Criteria: LabCorp Variant Classification Summary - May 2015. Collection method: clinical testing. Allele origin: germline.
Comment: Variant summary: ADGRV1 c.9178dupA (p.Thr3060AsnfsX10) results in a premature termination codon, predicted to cause absence of the protein due to nonsense mediated decay, which is a commonly known mechanism for disease. The variant was absent in 216104 control chromosomes. To our knowledge, no occurrence of c.9178dupA in individuals affected with ADGRV1-Related Disorders and no experimental evidence demonstrating its impact on protein function have been reported. ClinVar contains an entry for this variant (Variation ID: 959377). Based on the evidence outlined above, the variant was classified as pathogenic.

Blueprint Genetics
Classification: Likely pathogenic for ADGRV1-related disorders. Last evaluated: 2022-11-15. Review status: criteria provided, single submitter. Criteria: ACMG Guidelines, 2015. Collection method: clinical testing. Allele origin: germline. Affected: yes. Observed: 1 variant allele.

Revvity Omics, Revvity
Classification: Likely pathogenic. Last evaluated: 2022-06-22. Review status: criteria provided, single submitter. Criteria: ACMG Guidelines, 2015. Collection method: clinical testing. Allele origin: germline.

Literature cited by the submitters: PubMed 19357117 (cited by Labcorp Genetics (formerly Invitae), Labcorp); PubMed 22135276 (cited by Labcorp Genetics (formerly Invitae), Labcorp); PubMed 22147658 (cited by Labcorp Genetics (formerly Invitae), Labcorp); PubMed 26226137 (cited by Labcorp Genetics (formerly Invitae), Labcorp); PubMed 30718709 (cited by Labcorp Genetics (formerly Invitae), Labcorp); PubMed 31047384 (cited by Labcorp Genetics (formerly Invitae), Labcorp); PubMed 32467589 (cited by Labcorp Genetics (formerly Invitae), Labcorp).